The following is an entry in ClinVar:

NM_173728.4(ARHGEF15):c.412C>G (p.Leu138Val)

Gene: ARHGEF15 (Rho guanine nucleotide exchange factor 15; plus strand). Cytogenetic location: 17p13.1.
Variant type: single nucleotide variant.
Coding change: c.412C>G on transcript NM_173728.4 (MANE Select); coding-DNA position 412, C replaced by G.
Protein change: p.Leu138Val; replaces leucine 138 with valine.
Molecular consequence: missense variant.
Genome position (GRCh38, 1-based): chr17:8,312,451, C>G. VCF-style: chr17-8312451-C-G. GRCh37 (hg19) VCF-style: chr17-8215769-C-G.
Other names: c.412C>G, p.Leu138Val (NM_025014.2); short protein forms L138V.
Identifiers: ClinVar variation 2758823 (VCV002758823.3), dbSNP rs2543927241, ClinGen allele CA398014517.

ClinVar aggregate classification (germline): Uncertain significance (1 of 4 stars; one submission).

Conditions:
Early-infantile DEE. Also called: Ohtahara syndrome; Early infantile epileptic encephalopathy; Early infantile epileptic encephalopathy with suppression bursts. Identifiers: Orphanet 1934, MedGen C0393706, MONDO:0800491.

Submission:

Labcorp Genetics (formerly Invitae), Labcorp
Classification: Uncertain significance for Early-infantile DEE. Last evaluated: 2023-09-29. Review status: criteria provided, single submitter. Criteria: Invitae Variant Classification Sherloc (09022015). Collection method: clinical testing. Allele origin: germline.
Comment: This variant has not been reported in the literature in individuals affected with ARHGEF15-related conditions. This variant is not present in population databases (gnomAD no frequency). This sequence change replaces leucine, which is neutral and non-polar, with valine, which is neutral and non-polar, at codon 138 of the ARHGEF15 protein (p.Leu138Val). An algorithm developed to predict the effect of missense changes on protein structure and function (PolyPhen-2) suggests that this variant is likely to be tolerated. In summary, the available evidence is currently insufficient to determine the role of this variant in disease. Therefore, it has been classified as a Variant of Uncertain Significance.